The following is an entry in ClinVar:

NM_057176.3(BSND):c.393G>A (p.Leu131=)

Gene: BSND (barttin CLCNK type accessory subunit beta; plus strand). Cytogenetic location: 1p32.3.
Variant type: single nucleotide variant.
Coding change: c.393G>A on transcript NM_057176.3 (MANE Select); coding-DNA position 393, G replaced by A.
Protein change: p.Leu131=; no amino-acid change (leucine 131 retained).
Molecular consequence: synonymous variant.
Genome position (GRCh38, 1-based): chr1:55,007,117, G>A. VCF-style: chr1-55007117-G-A. GRCh37 (hg19) VCF-style: chr1-55472790-G-A.
Identifiers: ClinVar variation 741889 (VCV000741889.12), dbSNP rs201387711, ClinGen allele CA871324.
Genomic context (GRCh38, chr1:55,007,117, plus strand): 5'-GCCTGACTTCAGCCACATCCAGATGAAAGTCATGAGCTACAGTGAGGACCACCGCTCCTT[G>A]CTGGCCCCTGAGATGGGGCAGCCGAAGCTGGGAACCAGTGATGGAGGAGAAGGTGGCCCT-3'
Protein context (NP_476517.1, residues 121-141): VMSYSEDHRS[Leu131=]LAPEMGQPKL

ClinVar aggregate classification (germline): Likely benign. Review status: criteria provided, single submitter (1 of 4 stars). 3 submissions from 3 submitters: Likely benign (1). 2 of the submissions do not count toward it. Last evaluated 2026-01-28.

Conditions:
Bartter syndrome. Identifiers: Orphanet 112, MedGen C0004775, MONDO:0015231.
BSND-related disorder. Also called: BSND-related condition.

Submissions (3):

Labcorp Genetics (formerly Invitae), Labcorp
Classification: Likely benign. Last evaluated: 2026-01-28. Review status: criteria provided, single submitter. Criteria: Invitae Variant Classification Sherloc (09022015). Collection method: clinical testing. Allele origin: germline.

PreventionGenetics, part of Exact Sciences
Classification: Likely benign for BSND-related condition. Last evaluated: 2024-04-16. Review status: no assertion criteria provided. Collection method: clinical testing. Allele origin: germline. Not counted in ClinVar's aggregate classification.
Comment: This variant is classified as likely benign based on ACMG/AMP sequence variant interpretation guidelines (Richards et al. 2015 PMID: 25741868, with internal and published modifications).

Natera, Inc.
Classification: Likely benign for Bartter syndrome. Last evaluated: 2020-04-30. Review status: no assertion criteria provided. Collection method: clinical testing. Allele origin: germline. Not counted in ClinVar's aggregate classification.